The following is an entry in ClinVar:

ClinVar aggregate classification (germline): Uncertain significance (1 of 4 stars; one submission).

Allele frequency attached by ClinVar (database versions not stated): TOPMed below 0.00001; gnomAD 0.00001; gnomAD exomes 0.00001; ExAC 0.00007.
gnomAD v4.1: 7 of 1,532,704 alleles (0.00046%); highest among the groups gnomAD compares: Admixed American, 0.014%; no homozygotes.

Submission:

Labcorp Genetics (formerly Invitae), Labcorp
Classification: Uncertain significance. Last evaluated: 2022-12-14. Review status: criteria provided, single submitter. Criteria: Invitae Variant Classification Sherloc (09022015). Collection method: clinical testing. Allele origin: germline.
Comment: This sequence change replaces threonine, which is neutral and polar, with alanine, which is neutral and non-polar, at codon 993 of the DCHS1 protein (p.Thr993Ala). This variant is present in population databases (rs752837087, gnomAD 0.02%). This variant has not been reported in the literature in individuals affected with DCHS1-related conditions. Advanced modeling of protein sequence and biophysical properties (such as structural, functional, and spatial information, amino acid conservation, physicochemical variation, residue mobility, and thermodynamic stability) performed at Invitae indicates that this missense variant is expected to disrupt DCHS1 protein function. In summary, the available evidence is currently insufficient to determine the role of this variant in disease. Therefore, it has been classified as a Variant of Uncertain Significance.

NM_003737.4(DCHS1):c.2977A>G (p.Thr993Ala)

Gene: DCHS1 (dachsous cadherin-related 1; minus strand). Cytogenetic location: 11p15.4.
Variant type: single nucleotide variant.
Coding change: c.2977A>G on transcript NM_003737.4 (MANE Select); coding-DNA position 2977, A replaced by G.
Protein change: p.Thr993Ala; replaces threonine 993 with alanine.
Molecular consequence: missense variant.
Genome position (GRCh38, 1-based): chr11:6,632,535, T>C on the plus strand (A>G on the coding strand, the complement: DCHS1 is on the minus strand). VCF-style: chr11-6632535-T-C. GRCh37 (hg19) VCF-style: chr11-6653766-T-C.
Other names: short protein forms T993A.
Identifiers: ClinVar variation 2954938 (VCV002954938.3), dbSNP rs752837087, ClinGen allele CA5860623.